The following is an entry in ClinVar:

NM_014915.3(ANKRD26):c.1407T>A (p.Phe469Leu)

Gene: ANKRD26 (ankyrin repeat domain containing 26; minus strand). Cytogenetic location: 10p12.1.
Variant type: single nucleotide variant.
Coding change: c.1407T>A on transcript NM_014915.3 (MANE Select); coding-DNA position 1407, T replaced by A.
Protein change: p.Phe469Leu; replaces phenylalanine 469 with leucine.
Molecular consequence: missense variant.
Genome position (GRCh38, 1-based): chr10:27,061,199, A>T on the plus strand (T>A on the coding strand, the complement: ANKRD26 is on the minus strand). VCF-style: chr10-27061199-A-T. GRCh37 (hg19) VCF-style: chr10-27350128-A-T.
Other names: c.1407T>A, p.Phe469Leu (NM_001256053.2); short protein forms F469L.
Identifiers: ClinVar variation 3912924 (VCV003912924.1).

ClinVar aggregate classification (germline): Uncertain significance (1 of 4 stars; one submission).

Conditions:
Inborn genetic diseases. Identifiers: MedGen C0950123, MeSH D030342.

Submission:

Ambry Genetics
Classification: Uncertain significance for Inborn genetic diseases. Last evaluated: 2025-03-17. Review status: criteria provided, single submitter. Criteria: Ambry Variant Classification Scheme 2023. Collection method: clinical testing. Allele origin: germline.
Comment: The p.F469L variant (also known as c.1407T>A), located in coding exon 13 of the ANKRD26 gene, results from a T to A substitution at nucleotide position 1407. The phenylalanine at codon 469 is replaced by leucine, an amino acid with highly similar properties. This amino acid position is conserved. In addition, this alteration is predicted to be tolerated by in silico analysis. Based on the available evidence, the clinical significance of this variant remains unclear.